The following is an entry in ClinVar:

ClinVar aggregate classification (germline): Uncertain significance. Review status: criteria provided, multiple submitters, no conflicts (2 of 4 stars). 2 submissions from 2 submitters: Uncertain significance (2). Last evaluated 2024-06-06.

Conditions:
Progressive sclerosing poliodystrophy (MTDPS4A). Also called: Mitochondrial DNA depletion syndrome 4A (Alpers type); ALPERS PROGRESSIVE INFANTILE POLIODYSTROPHY; NEURONAL DEGENERATION OF CHILDHOOD WITH LIVER DISEASE, PROGRESSIVE; Mitochondrial DNA Depletion Syndrome 4A; Alpers-Huttenlocher Syndrome (AHS); Alpers Syndrome. Identifiers: Orphanet 726, MedGen C0205710, MONDO:0008758, OMIM 203700.
Inborn genetic diseases. Identifiers: MedGen C0950123, MeSH D030342.

Allele frequency attached by ClinVar (database versions not stated): gnomAD exomes below 0.00001; gnomAD 0.00001; TOPMed 0.00002.

Submissions (2):

Ambry Genetics
Classification: Uncertain significance for Inborn genetic diseases. Last evaluated: 2024-06-06. Review status: criteria provided, single submitter. Criteria: Ambry Variant Classification Scheme 2023. Collection method: clinical testing. Allele origin: germline.

Labcorp Genetics (formerly Invitae), Labcorp
Classification: Uncertain significance for Progressive sclerosing poliodystrophy. Last evaluated: 2024-02-02. Review status: criteria provided, single submitter. Criteria: Invitae Variant Classification Sherloc (09022015). Collection method: clinical testing. Allele origin: germline.
Comment: This sequence change replaces alanine, which is neutral and non-polar, with threonine, which is neutral and polar, at codon 905 of the POLG protein (p.Ala905Thr). This variant is not present in population databases (gnomAD no frequency). This variant has not been reported in the literature in individuals affected with POLG-related conditions. ClinVar contains an entry for this variant (Variation ID: 1378202). Advanced modeling of protein sequence and biophysical properties (such as structural, functional, and spatial information, amino acid conservation, physicochemical variation, residue mobility, and thermodynamic stability) performed at Invitae indicates that this missense variant is expected to disrupt POLG protein function with a positive predictive value of 95%. In summary, the available evidence is currently insufficient to determine the role of this variant in disease. Therefore, it has been classified as a Variant of Uncertain Significance.

NM_002693.3(POLG):c.2713G>A (p.Ala905Thr)

Gene: POLG (DNA polymerase gamma, catalytic subunit; minus strand). Cytogenetic location: 15q26.1.
Variant type: single nucleotide variant.
Coding change: c.2713G>A on transcript NM_002693.3 (MANE Select); coding-DNA position 2713, G replaced by A.
Protein change: p.Ala905Thr; replaces alanine 905 with threonine.
Molecular consequence: missense variant.
Genome position (GRCh38, 1-based): chr15:89,321,146, C>T on the plus strand (G>A on the coding strand, the complement: POLG is on the minus strand). VCF-style: chr15-89321146-C-T. GRCh37 (hg19) VCF-style: chr15-89864377-C-T.
Other names: c.2713G>A (NM_002693.2); c.2713G>A, p.Ala905Thr (NM_001126131.2); short protein forms A905T.
Identifiers: ClinVar variation 1378202 (VCV001378202.5), dbSNP rs747156457, ClinGen allele CA274546413.
Genomic context (GRCh38, chr15:89,321,146, plus strand): 5'-CTGAGGGGCTGGGCTGCCCCAACCCCGGCTCCTGCTCACCATGCATGCCGGCAAAGTGGG[C>T]GTCTCCAAGCACAGCTGCAATCCACAGCTCTTGGGAGTCCACATCAGCACCCACAAGGGT-3'
Protein context (NP_002684.1, residues 895-915): ELWIAAVLGD[Ala905Thr]HFAGMHGCTA